The following is an entry in ClinVar:

NM_002734.5(PRKAR1A):c.549+6A>T

Gene: PRKAR1A (protein kinase cAMP-dependent type I regulatory subunit alpha; plus strand). Cytogenetic location: 17q24.2.
Variant type: single nucleotide variant.
Coding change: c.549+6A>T on transcript NM_002734.5 (MANE Select); 6 bases into the intron after coding-DNA position 549, A replaced by T.
Molecular consequence: intron variant.
Genome position (GRCh38, 1-based): chr17:68,524,964, A>T. VCF-style: chr17-68524964-A-T. GRCh37 (hg19) VCF-style: chr17-66521105-A-T.
Other names: c.549+6A>T (NM_001278433.2, NM_001369389.1, NM_212471.3 and 4 more transcripts).
Identifiers: ClinVar variation 496170 (VCV000496170.6), dbSNP rs780068318, ClinGen allele CA8729300.

ClinVar aggregate classification (germline): Conflicting classifications of pathogenicity. Review status: criteria provided, conflicting classifications (1 of 4 stars). 2 submissions from 2 submitters: Uncertain significance (1); Likely benign (1). Last evaluated 2025-01-06.

Conditions:
Carney complex, type 1 (CNC1). Also called: CARNEY COMPLEX, TYPE I; CARNEY MYXOMA-ENDOCRINE COMPLEX. Identifiers: Orphanet 1359, MedGen C2607929, MONDO:0008057, OMIM 160980.

Allele frequency attached by ClinVar (database versions not stated): ExAC 0.00001.
gnomAD v4.1: 5 of 1,598,984 alleles (0.00031%); highest among the groups gnomAD compares: Admixed American, 0.0083%; no homozygotes.

Submissions (2):

Labcorp Genetics (formerly Invitae), Labcorp
Classification: Likely benign for Carney complex, type 1. Last evaluated: 2025-01-06. Review status: criteria provided, single submitter. Criteria: Invitae Variant Classification Sherloc (09022015). Collection method: clinical testing. Allele origin: germline.

Women's Health and Genetics/Laboratory Corporation of America, LabCorp
Classification: Uncertain significance. Last evaluated: 2016-05-20. Review status: criteria provided, single submitter. Criteria: LabCorp Variant Classification Summary - May 2015. Collection method: clinical testing. Allele origin: germline.
Comment: Variant summary: The PRKAR1A c.549+6A>T variant involves the alteration of a non-conserved intronic nucleotide. One in silico tool predicts a damaging outcome for this variant. 4/5 splice prediction tools predict the strenghtening of a canonical splice donor site. This variant was found in 1/121162 control chromosomes at a frequency of 0.0000083, which is approximately 4 times the estimated maximal expected allele frequency of a pathogenic PRKAR1A variant (0.0000019), suggesting this variant may be a benign polymorphism. The variant of interest has not, to our knowledge, been reported in affected individuals via publications and/or reputable databases/clinical diagnostic laboratories; nor evaluated for functional impact by in vivo/vitro studies. Because of the absence of clinical information and the lack of functional studies, the variant was classified as a variant of uncertain significance (VUS) until additional information becomes available.